The following is an entry in ClinVar:

ClinVar aggregate classification (germline): Uncertain significance (1 of 4 stars; one submission).

Conditions:
Thrombophilia due to protein S deficiency, autosomal recessive (THPH6). Identifiers: Orphanet 743, MedGen C3281092, MONDO:0013791, OMIM 614514. Disease mechanism: loss of function.

Allele frequency attached by ClinVar (database versions not stated): 1000 Genomes Project 0.00020; gnomAD exomes below 0.00001; ExAC 0.00001; 1000 Genomes Project 30x 0.00031; gnomAD 0.00001.
gnomAD v4.1: 3 of 1,599,986 alleles (0.00019%); highest among the groups gnomAD compares: South Asian, 0.0011%; no homozygotes.

Submission:

Labcorp Genetics (formerly Invitae), Labcorp
Classification: Uncertain significance for Thrombophilia due to protein S deficiency, autosomal recessive. Last evaluated: 2025-02-20. Review status: criteria provided, single submitter. Criteria: Invitae Variant Classification Sherloc (09022015). Collection method: clinical testing. Allele origin: germline.
Comment: This sequence change affects codon 321 of the PROS1 mRNA. It is a 'silent' change, meaning that it does not change the encoded amino acid sequence of the PROS1 protein. This variant is present in population databases (rs569018785, gnomAD 0.003%). This variant has not been reported in the literature in individuals affected with PROS1-related conditions. ClinVar contains an entry for this variant (Variation ID: 2963858). Algorithms developed to predict the effect of sequence changes on RNA splicing suggest that this variant may disrupt the consensus splice site. In summary, the available evidence is currently insufficient to determine the role of this variant in disease. Therefore, it has been classified as a Variant of Uncertain Significance.

NM_000313.4(PROS1):c.963C>T (p.Ser321=)

Gene: PROS1 (protein S; minus strand). Cytogenetic location: 3q11.1.
Variant type: single nucleotide variant.
Coding change: c.963C>T on transcript NM_000313.4 (MANE Select); coding-DNA position 963, C replaced by T.
Protein change: p.Ser321=; no amino-acid change (serine 321 retained).
Molecular consequence: synonymous variant.
Genome position (GRCh38, 1-based): chr3:93,896,578, G>A on the plus strand (C>T on the coding strand, the complement: PROS1 is on the minus strand). VCF-style: chr3-93896578-G-A. GRCh37 (hg19) VCF-style: chr3-93615422-G-A.
Other names: c.1059C>T, p.Ser353= (NM_001314077.2).
Identifiers: ClinVar variation 2963858 (VCV002963858.3), dbSNP rs569018785, ClinGen allele CA2503322.